The following is an entry in ClinVar:

NM_001379200.1(TBX1):c.304T>G (p.Cys102Gly)

Gene: TBX1 (T-box transcription factor 1; plus strand). Cytogenetic location: 22q11.21.
Variant type: single nucleotide variant.
Coding change: c.304T>G on transcript NM_001379200.1 (MANE Select); coding-DNA position 304, T replaced by G.
Protein change: p.Cys102Gly; replaces cysteine 102 with glycine.
Molecular consequence: missense variant.
Genome position (GRCh38, 1-based): chr22:19,761,147, T>G. VCF-style: chr22-19761147-T-G. GRCh37 (hg19) VCF-style: chr22-19748670-T-G.
Other names: c.277T>G, p.Cys93Gly (NM_005992.1, NM_080646.2, NM_080647.1); short protein forms C93G, C102G.
Identifiers: ClinVar variation 3636217 (VCV003636217.3).

ClinVar aggregate classification (germline): Uncertain significance. Review status: criteria provided, multiple submitters, no conflicts (2 of 4 stars). 2 submissions from 2 submitters: Uncertain significance (2). Last evaluated 2026-04-30.

Conditions:
Cardiovascular phenotype. Identifiers: MedGen CN230736.
DiGeorge syndrome. Also called: THIRD AND FOURTH PHARYNGEAL POUCH SYNDROME; Catch22. Identifiers: Orphanet 567, MedGen C0012236, MONDO:0008564, OMIM 188400.

Submissions (2):

Ambry Genetics
Classification: Uncertain significance for Cardiovascular phenotype. Last evaluated: 2026-04-30. Review status: criteria provided, single submitter. Criteria: Ambry Variant Classification Scheme 2023. Collection method: clinical testing. Allele origin: germline.

Labcorp Genetics (formerly Invitae), Labcorp
Classification: Uncertain significance for DiGeorge syndrome. Last evaluated: 2024-10-31. Review status: criteria provided, single submitter. Criteria: Invitae Variant Classification Sherloc (09022015). Collection method: clinical testing. Allele origin: germline.
Comment: This sequence change replaces cysteine, which is neutral and slightly polar, with glycine, which is neutral and non-polar, at codon 93 of the TBX1 protein (p.Cys93Gly). This variant is not present in population databases (gnomAD no frequency). This variant has not been reported in the literature in individuals affected with TBX1-related conditions. Invitae Evidence Modeling of protein sequence and biophysical properties (such as structural, functional, and spatial information, amino acid conservation, physicochemical variation, residue mobility, and thermodynamic stability) indicates that this missense variant is not expected to disrupt TBX1 protein function with a negative predictive value of 80%. In summary, the available evidence is currently insufficient to determine the role of this variant in disease. Therefore, it has been classified as a Variant of Uncertain Significance.